The following is an entry in ClinVar:

NM_001101.5(ACTB):c.770G>A (p.Cys257Tyr)

Gene: ACTB (actin beta; minus strand). Cytogenetic location: 7p22.1.
Variant type: single nucleotide variant.
Coding change: c.770G>A on transcript NM_001101.5 (MANE Select); coding-DNA position 770, G replaced by A.
Protein change: p.Cys257Tyr; replaces cysteine 257 with tyrosine.
Molecular consequence: missense variant.
Genome position (GRCh38, 1-based): chr7:5,528,313, C>T on the plus strand (G>A on the coding strand, the complement: ACTB is on the minus strand). VCF-style: chr7-5528313-C-T. GRCh37 (hg19) VCF-style: chr7-5567944-C-T.
Other names: short protein forms C257Y.
Identifiers: ClinVar variation 1699807 (VCV001699807.2), dbSNP rs11546930, ClinGen allele CA366701905.

ClinVar aggregate classification (germline): Uncertain significance (1 of 4 stars; one submission).

Submission:

GeneDx
Classification: Uncertain significance. Last evaluated: 2022-01-25. Review status: criteria provided, single submitter. Criteria: GeneDx Variant Classification Process June 2021. Collection method: clinical testing. Allele origin: germline. Affected: yes.
Comment: Not observed at significant frequency in large population cohorts (gnomAD); Missense variants in this gene are often considered pathogenic (HGMD); In silico analysis supports that this missense variant has a deleterious effect on protein structure/function; Has not been previously published as pathogenic or benign to our knowledge